The following is an entry in ClinVar:

NM_024675.4(PALB2):c.2586+8G>T

Gene: PALB2 (partner and localizer of BRCA2; minus strand). Cytogenetic location: 16p12.2.
Variant type: single nucleotide variant.
Coding change: c.2586+8G>T on transcript NM_024675.4 (MANE Select); 8 bases into the intron after coding-DNA position 2586, G replaced by T.
Molecular consequence: intron variant.
Genome position (GRCh38, 1-based): chr16:23,629,196, C>A on the plus strand (G>T on the coding strand, the complement: PALB2 is on the minus strand). VCF-style: chr16-23629196-C-A. GRCh37 (hg19) VCF-style: chr16-23640517-C-A.
Identifiers: ClinVar variation 918824 (VCV000918824.5), dbSNP rs1060504708, ClinGen allele CA913188730.

ClinVar aggregate classification (germline): Conflicting classifications of pathogenicity. Review status: criteria provided, conflicting classifications (1 of 4 stars). 3 submissions from 3 submitters: Uncertain significance (1); Likely benign (2). Last evaluated 2025-01-16.

Conditions:
Hereditary cancer-predisposing syndrome. Also called: Neoplastic Syndromes, Hereditary; Tumor predisposition; Hereditary Cancer Syndrome; Hereditary neoplastic syndrome. Identifiers: Orphanet 140162, MedGen C0027672, MeSH D009386, MONDO:0015356.
Familial cancer of breast. Also called: BREAST CANCER, FAMILIAL; Hereditary breast cancer; hereditary breast carcinoma. Identifiers: Orphanet 227535, MedGen C0346153, MONDO:0016419, OMIM 114480. Disease mechanism: loss of function.

Submissions (3):

Myriad Genetics, Inc.
Classification: Likely benign for Familial cancer of breast. Last evaluated: 2025-01-16. Review status: criteria provided, single submitter. Criteria: Myriad Autosomal Dominant, Autosomal Recessive and X-Linked Classification Criteria (2023). Collection method: clinical testing. Allele origin: unknown.
Comment: This variant is considered likely benign. This variant is intronic and is not expected to impact mRNA splicing.

Labcorp Genetics (formerly Invitae), Labcorp
Classification: Likely benign for Familial cancer of breast. Last evaluated: 2024-05-22. Review status: criteria provided, single submitter. Criteria: Invitae Variant Classification Sherloc (09022015). Collection method: clinical testing. Allele origin: germline.

Color Diagnostics, LLC DBA Color Health
Classification: Uncertain significance for Hereditary cancer-predisposing syndrome. Last evaluated: 2019-01-16. Review status: criteria provided, single submitter. Criteria: ACMG Guidelines, 2015. Collection method: clinical testing. Allele origin: germline.